The following continues an entry in ClinVar:

NM_206933.4(USH2A):c.1256G>T (p.Cys419Phe)

Gene: USH2A. ClinVar aggregate classification (germline): Pathogenic. Pathogenic (21).

Submissions 15 to 30 of 30:

Institute of Human Genetics, Univ. Regensburg, Univ. Regensburg
Classification: Pathogenic for Retinal dystrophy. Last evaluated: 2020-01-01. Review status: criteria provided, single submitter. Criteria: ACMG Guidelines, 2015. Collection method: clinical testing. Allele origin: germline. Affected: yes.

Women's Health and Genetics/Laboratory Corporation of America, LabCorp
Classification: Pathogenic for Usher syndrome. Last evaluated: 2019-12-09. Review status: criteria provided, single submitter. Criteria: LabCorp Variant Classification Summary - May 2015. Collection method: clinical testing. Allele origin: germline.
Comment: Variant summary: USH2A c.1256G>T (p.Cys419Phe) results in a non-conservative amino acid change located in the Laminin, N-terminal domain (IPR008211) of the encoded protein sequence. Five of five in-silico tools predict a damaging effect of the variant on protein function. The variant allele was found at a frequency of 4e-05 in 250184 control chromosomes. c.1256G>T has been reported in the literature in multiple individuals affected with Usher syndrome and/or Retinitis Pigmentosa (example, Weston_2000, Neveling_2012, Eisenberger_2013, Stone_2017). These data indicate that the variant is very likely to be associated with disease. To our knowledge, no experimental evidence demonstrating an impact on protein function has been reported. Six clinical diagnostic laboratories have submitted clinical-significance assessments for this variant to ClinVar after 2014 without evidence for independent evaluation (Pathogenic, n=5, VUS, n=1). Based on the evidence outlined above, the variant was classified as pathogenic.

Illumina Laboratory Services, Illumina
Classification: Pathogenic for USH2A-Related Disorders. Last evaluated: 2017-04-28. Review status: criteria provided, single submitter. Criteria: ICSL Variant Classification Criteria 09 May 2019. Collection method: clinical testing. Allele origin: germline.
Comment: Across a selection of the available literature, the USH2A c.1256G>T (p.Cys419Phe) missense variant has been identified in a homozygous state in two patients with Usher syndrome, in a compound heterozygous state in 13 patients of whom ten were diagnosed with Usher syndrome and three with retinitis pigmentosa (RP), and in a heterozygous state in 16 patients of whom ten were diagnosed with Usher syndrome and six with RP (Weston et al. 2000; Van Wijk et al. 2004; Seyedahmadi et al. 2004; Sandberg et al. 2008; Neveling et al. 2012; Le Quesne Stabe et al. 2012; Eisenberger et al. 2013; Besnard et al. 2014; Cremers et al. 2014; Pennings et al. 2004; Van Huet et al. 2015). The p.Cys419Phe variant is a possible Dutch founder variant as deduced by haplotype analysis by Pennings et al. (2004). The p.Cys419Phe variant was absent in at least 1000 controls and is reported at a frequency of 0.000093 in the European (non-Finnish) population of the Exome Aggregation Consortium. Based on the collective evidence, the p.Cys419Phe variant is classified as pathogenic for USH2A-related disorders. This variant was observed by ICSL as part of a predisposition screen in an ostensibly healthy population.

Eurofins Ntd Llc (ga)
Classification: Pathogenic. Last evaluated: 2016-04-21. Review status: criteria provided, single submitter. Criteria: EGL Classification Definitions 2015. Collection method: clinical testing. Allele origin: germline. Observed: 8 variant alleles, 7 heterozygotes, 1 homozygote.

Center for Pediatric Genomic Medicine, Children's Mercy Hospital and Clinics
Classification: Pathogenic. Last evaluated: 2016-01-12. Review status: criteria provided, single submitter. Criteria: ACMG Guidelines, 2015. Collection method: clinical testing. Allele origin: germline.

Laboratory for Molecular Medicine, Mass General Brigham Personalized Medicine
Classification: Pathogenic for Rare genetic deafness. Last evaluated: 2010-10-28. Review status: criteria provided, single submitter. Criteria: LMM Criteria. Collection method: clinical testing. Allele origin: germline. Observed: 1 variant allele.
Comment: The Cys419Phe variant in USH2A has been reported in 16/246 probands with Usher s yndrome Type 2 and was absent from 380 control chromosomes (p<0.0001, Weston 200 0, Pennings 2004, Seyedahmadi 2004). Many of these probands were homozygous or c ompound heterozygous. In addition, this variant is thought to be a founder mutat ion in the Dutch population (Pennings 2004). In summary, this variant meets our criteria to be classified as pathogenic.

UNC Molecular Genetics  Laboratory, University of North Carolina at Chapel Hill
Classification: Pathogenic for USH2A-Related Disorders. Review status: criteria provided, single submitter. Criteria: ACMG Guidelines, 2015. Collection method: research. Allele origin: paternal. Affected: yes. Observed: 1 variant allele. Study: NSIGHT-NC NEXUS.
Comment: USH2A c.1256G>T (p.C419F) has been described as a pathogenic variant and has been reported in the homozygous or compound heterozygous state in multiple individuals with Usher syndrome type IIA and nonsyndromic retinitis pigmentosa (PMID: 15015129; 15241801;15325563; 10729113; 22135276; 24944099; 25999674).

Counsyl
Classification: Pathogenic for Usher syndrome type 2A. Last evaluated: 2017-02-08. Review status: no assertion criteria provided. Collection method: clinical testing. Allele origin: unknown. Not counted in ClinVar's aggregate classification.

Counsyl
Classification: Pathogenic for Retinitis pigmentosa 39. Last evaluated: 2017-02-08. Review status: no assertion criteria provided. Collection method: clinical testing. Allele origin: unknown. Not counted in ClinVar's aggregate classification.

Joint Genome Diagnostic Labs from Nijmegen and Maastricht, Radboudumc and MUMC+
Classification: Pathogenic for Usher syndrome type 2A. Last evaluated: 2016-09-01. Review status: no assertion criteria provided. Collection method: clinical testing. Allele origin: inherited, unknown. Affected: yes. Observed: 2 variant alleles. Not counted in ClinVar's aggregate classification.

OMIM
Classification: Pathogenic for USHER SYNDROME, TYPE IIA. Last evaluated: 2004-04-01. Review status: no assertion criteria provided. Collection method: literature only. Allele origin: germline. Not counted in ClinVar's aggregate classification.

Clinical Genetics DNA and cytogenetics Diagnostics Lab, Erasmus MC, Erasmus Medical Center
Classification: Pathogenic. Review status: no assertion criteria provided. Collection method: clinical testing. Allele origin: germline. Affected: yes. Study: VKGL Data-share Consensus. Not counted in ClinVar's aggregate classification.

Clinical Genetics, Academic Medical Center
Classification: Pathogenic. Review status: no assertion criteria provided. Collection method: clinical testing. Allele origin: germline. Affected: yes. Study: VKGL Data-share Consensus. Not counted in ClinVar's aggregate classification.

Genomics England Pilot Project, Genomics England
Classification: Pathogenic for Usher syndrome type 2A. Review status: no assertion criteria provided. Criteria: ACGS Guidelines, 2016. Collection method: clinical testing. Allele origin: germline. Affected: yes. Not counted in ClinVar's aggregate classification.

Joint Genome Diagnostic Labs from Nijmegen and Maastricht, Radboudumc and MUMC+
Classification: Pathogenic. Review status: no assertion criteria provided. Collection method: clinical testing. Allele origin: germline. Affected: yes. Study: VKGL Data-share Consensus. Not counted in ClinVar's aggregate classification.

NIHR Bioresource Rare Diseases, University of Cambridge
Classification: Uncertain significance for Usher syndrome, type 2D. Last evaluated: 2015-01-01. Review status: flagged submission. Collection method: research. Allele origin: unknown. Affected: yes. Observed: 1 variant allele. Not counted in ClinVar's aggregate classification.
ClinVar note: Reason: Older and outlier claim with insufficient supporting evidence

Literature cited by the submitters: PubMed 10729113 (cited by 12 submitters); PubMed 15043528 (cited by Labcorp Genetics (formerly Invitae), Labcorp); PubMed 15241801 (cited by 7 submitters); PubMed 22334370 (cited by 6 submitters); PubMed 24265693 (cited by 6 submitters); PubMed 24498627 (cited by 3 submitters); PubMed 28041643 (cited by Labcorp Genetics (formerly Invitae), Labcorp and NIHR Bioresource Rare Diseases, University of Cambridge); PubMed 28559085 (cited by 3 submitters); PubMed 33749171 (cited by 3billion and Institute of Human Genetics, Univ. Regensburg, Univ. Regensburg); PubMed 36011334 (cited by 3billion and Institute of Human Genetics, Univ. Regensburg, Univ. Regensburg); PubMed 16963483 (cited by 3 submitters); PubMed 15015129 (cited by 6 submitters); PubMed 15325563 (cited by 4 submitters); PubMed 18641288 (cited by 3 submitters); PubMed 22135276 (cited by 5 submitters); PubMed 27460420 (cited by Natera, Inc.); PubMed 25999674 (cited by 3 submitters); PubMed 25649381 (cited by Ocular Genomics Institute, Massachusetts Eye and Ear and Eurofins Ntd Llc (ga)); PubMed 28761320 (cited by Institute of Human Genetics, Univ. Regensburg, Univ. Regensburg); PubMed 31964843 (cited by Institute of Human Genetics, Univ. Regensburg, Univ. Regensburg); PubMed 31980526 (cited by Institute of Human Genetics, Univ. Regensburg, Univ. Regensburg); PubMed 32176120 (cited by Institute of Human Genetics, Univ. Regensburg, Univ. Regensburg); PubMed 32853555 (cited by Institute of Human Genetics, Univ. Regensburg, Univ. Regensburg); PubMed 32037395 (cited by Institute of Human Genetics, Univ. Regensburg, Univ. Regensburg); PubMed 33360097 (cited by Institute of Human Genetics, Univ. Regensburg, Univ. Regensburg); PubMed 33576794 (cited by Institute of Human Genetics, Univ. Regensburg, Univ. Regensburg); PubMed 34758253 (cited by Institute of Human Genetics, Univ. Regensburg, Univ. Regensburg); PubMed 34781295 (cited by Institute of Human Genetics, Univ. Regensburg, Univ. Regensburg); PubMed 36284670 (cited by Institute of Human Genetics, Univ. Regensburg, Univ. Regensburg); PubMed 35266249 (cited by Institute of Human Genetics, Univ. Regensburg, Univ. Regensburg); PubMed 36819107 (cited by Institute of Human Genetics, Univ. Regensburg, Univ. Regensburg); PubMed 20301515 (cited by UNC Molecular Genetics  Laboratory, University of North Carolina at Chapel Hill); PubMed 24944099 (cited by UNC Molecular Genetics  Laboratory, University of North Carolina at Chapel Hill).